The following is an entry in ClinVar:

ClinVar aggregate classification (germline): Uncertain significance. Review status: criteria provided, multiple submitters, no conflicts (2 of 4 stars). 3 submissions from 3 submitters: Uncertain significance (3). Last evaluated 2026-01-02.

Conditions:
Cardiovascular phenotype. Identifiers: MedGen CN230736.
Long QT syndrome (LQTS). Identifiers: MedGen C0023976, MeSH D008133, MONDO:0002442. Disease mechanism: loss of function. Inheritance: Various modes of inheritance.

gnomAD v4.1: 26 of 1,376,886 alleles (0.0019%); highest among the groups gnomAD compares: Non-Finnish European, 0.0024%; no homozygotes.

Submissions (3):

Labcorp Genetics (formerly Invitae), Labcorp
Classification: Uncertain significance for Long QT syndrome. Last evaluated: 2026-01-02. Review status: criteria provided, single submitter. Criteria: Invitae Variant Classification Sherloc (09022015). Collection method: clinical testing. Allele origin: germline.
Comment: This sequence change replaces aspartic acid, which is acidic and polar, with glutamic acid, which is acidic and polar, at codon 38 of the SNTA1 protein (p.Asp38Glu). The frequency data for this variant in the population databases is considered unreliable, as metrics indicate poor data quality at this position in the gnomAD database. This variant has not been reported in the literature in individuals affected with SNTA1-related conditions. ClinVar contains an entry for this variant (Variation ID: 449280). Invitae Evidence Modeling of protein sequence and biophysical properties (such as structural, functional, and spatial information, amino acid conservation, physicochemical variation, residue mobility, and thermodynamic stability) indicates that this missense variant is not expected to disrupt SNTA1 protein function with a negative predictive value of 80%. In summary, the available evidence is currently insufficient to determine the role of this variant in disease. Therefore, it has been classified as a Variant of Uncertain Significance.

Ambry Genetics
Classification: Uncertain significance for Cardiovascular phenotype. Last evaluated: 2024-04-12. Review status: criteria provided, single submitter. Criteria: Ambry Variant Classification Scheme 2023. Collection method: clinical testing. Allele origin: germline.
Comment: The p.D38E variant (also known as c.114C>A), located in coding exon 1 of the SNTA1 gene, results from a C to A substitution at nucleotide position 114. The aspartic acid at codon 38 is replaced by glutamic acid, an amino acid with highly similar properties. This amino acid position is well conserved in available vertebrate species; however, glutamic acid is the reference amino acid in other vertebrate species. In addition, this alteration is predicted to be tolerated by in silico analysis. Since supporting evidence is limited at this time, the clinical significance of this alteration remains unclear.

GeneDx
Classification: Uncertain significance. Last evaluated: 2019-06-24. Review status: criteria provided, single submitter. Criteria: GeneDx Variant Classification Process June 2021. Collection method: clinical testing. Allele origin: germline. Affected: yes.
Comment: Has not been previously published as pathogenic or benign to our knowledge; Reported in ClinVar as a variant of uncertain significance but additional evidence is not available (ClinVar Variant ID# 449280; Landrum et al., 2016); Not observed at a significant frequency in large population cohorts (Lek et al., 2016); In silico analysis, which includes protein predictors and evolutionary conservation, supports that this variant does not alter protein structure/function

NM_003098.3(SNTA1):c.114C>A (p.Asp38Glu)

Genes: SNTA1 (syntrophin alpha 1; minus strand), LOC130065680 (ATAC-STARR-seq lymphoblastoid silent region 12812; plus strand). Cytogenetic location: 20q11.21.
Variant type: single nucleotide variant.
Coding change: c.114C>A on transcript NM_003098.3 (MANE Select); coding-DNA position 114, C replaced by A.
Protein change: p.Asp38Glu; replaces aspartic acid 38 with glutamic acid.
Molecular consequence: missense variant.
Genome position (GRCh38, 1-based): chr20:33,443,507, G>T on the plus strand (C>A on the coding strand, the complement: SNTA1 is on the minus strand). VCF-style: chr20-33443507-G-T. GRCh37 (hg19) VCF-style: chr20-32031313-G-T.
Other names: short protein forms D38E.
Identifiers: ClinVar variation 449280 (VCV000449280.14), dbSNP rs780018849, ClinGen allele CA408634491.